The following is an entry in ClinVar:

ClinVar aggregate classification (germline): Uncertain significance. Review status: criteria provided, multiple submitters, no conflicts (2 of 4 stars). 3 submissions from 3 submitters: Uncertain significance (3). Last evaluated 2024-02-01.

Conditions:
ALG9 congenital disorder of glycosylation (CDG1L). Also called: CDG Il; ALG9-CDG; CONGENITAL DISORDER OF GLYCOSYLATION, TYPE Il. Identifiers: Orphanet 79328, MedGen C2931006, MONDO:0012117, OMIM 608776.

Allele frequency attached by ClinVar (database versions not stated): ExAC 0.00001; gnomAD 0.00001 and 0.00002; gnomAD exomes 0.00001 and 0.00002; TOPMed 0.00003; ESP Exome Variant Server 0.00008.
gnomAD v4.1: 20 of 1,614,012 alleles (0.0012%); highest among the groups gnomAD compares: East Asian, 0.0089%; no homozygotes.

Submissions (3):

CeGaT Center for Human Genetics Tuebingen
Classification: Uncertain significance. Last evaluated: 2024-02-01. Review status: criteria provided, single submitter. Criteria: CeGaT Center For Human Genetics Tuebingen Variant Classification Criteria Version 2. Collection method: clinical testing. Allele origin: germline. Affected: yes. Observed: 1 variant allele.
Comment: ATP6V0A2: PM2, BP4

Women's Health and Genetics/Laboratory Corporation of America, LabCorp
Classification: Uncertain significance. Last evaluated: 2022-02-17. Review status: criteria provided, single submitter. Criteria: LabCorp Variant Classification Summary - May 2015. Collection method: clinical testing. Allele origin: germline.

Labcorp Genetics (formerly Invitae), Labcorp
Classification: Uncertain significance for ALG9 congenital disorder of glycosylation. Last evaluated: 2021-10-24. Review status: criteria provided, single submitter. Criteria: Invitae Variant Classification Sherloc (09022015). Collection method: clinical testing. Allele origin: germline.
Comment: This sequence change replaces isoleucine with valine at codon 353 of the ATP6V0A2 protein (p.Ile353Val). The isoleucine residue is weakly conserved and there is a small physicochemical difference between isoleucine and valine. This variant is present in population databases (rs374873455, ExAC 0.01%). This variant has not been reported in the literature in individuals affected with ATP6V0A2-related conditions. Algorithms developed to predict the effect of missense changes on protein structure and function (SIFT, PolyPhen-2, Align-GVGD) all suggest that this variant is likely to be tolerated. In summary, the available evidence is currently insufficient to determine the role of this variant in disease. Therefore, it has been classified as a Variant of Uncertain Significance.

NM_012463.4(ATP6V0A2):c.1057A>G (p.Ile353Val)

Gene: ATP6V0A2 (ATPase H+ transporting V0 subunit a2; plus strand). Cytogenetic location: 12q24.31.
Variant type: single nucleotide variant.
Coding change: c.1057A>G on transcript NM_012463.4 (MANE Select); coding-DNA position 1057, A replaced by G.
Protein change: p.Ile353Val; replaces isoleucine 353 with valine.
Molecular consequence: missense variant.
Genome position (GRCh38, 1-based): chr12:123,743,803, A>G. VCF-style: chr12-123743803-A-G. GRCh37 (hg19) VCF-style: chr12-124228350-A-G.
Other names: short protein forms I353V.
Identifiers: ClinVar variation 1343639 (VCV001343639.28), dbSNP rs374873455, ClinGen allele CA6861830.